The following is an entry in ClinVar:

ClinVar aggregate classification (germline): Uncertain significance (1 of 4 stars; one submission).

Conditions:
Beckwith-Wiedemann syndrome (BWS). Also called: EMG SYNDROME; Exomphalos macroglossia gigantism syndrome. Identifiers: Orphanet 116, MedGen C0004903, MONDO:0007534, OMIM 130650.

Submission:

Labcorp Genetics (formerly Invitae), Labcorp
Classification: Uncertain significance for Beckwith-Wiedemann syndrome. Last evaluated: 2023-07-17. Review status: criteria provided, single submitter. Criteria: Invitae Variant Classification Sherloc (09022015). Collection method: clinical testing. Allele origin: germline.
Comment: In summary, the available evidence is currently insufficient to determine the role of this variant in disease. Therefore, it has been classified as a Variant of Uncertain Significance. This variant has not been reported in the literature in individuals affected with CDKN1C-related conditions. The frequency data for this variant in the population databases is considered unreliable, as metrics indicate poor data quality at this position in the gnomAD database. This variant, c.588_599dup, results in the insertion of 4 amino acid(s) of the CDKN1C protein (p.Ala213_Pro216dup), but otherwise preserves the integrity of the reading frame.

NM_001122630.2(CDKN1C):c.555GGCCCC[4] (p.Pro205_Asp206insAlaProAlaPro)

Gene: CDKN1C (cyclin dependent kinase inhibitor 1C; minus strand). Cytogenetic location: 11p15.4.
Variant type: Microsatellite.
Coding change: c.555GGCCCC[4] on transcript NM_001122630.2 (MANE Select); four copies in a row of the 6-base unit GGCCCC starting at c.555; the reference has two copies in a row; two copies, 12 bases duplicated.
Protein change: p.Pro205_Asp206insAlaProAlaPro.
Molecular consequence: inframe insertion. On other transcripts: intron variant (1).
Genome position (GRCh38, 1-based): chr11:2,884,891-2,884,902, GGGGCCGGGGCC duplicated on the plus strand (GGCCCCGGCCCC on the coding strand, the reverse complement: CDKN1C is on the minus strand); duplicating any 12 consecutive bases within chr11:2,884,891-2,884,903 gives the same sequence; the position shown is the placement nearest the transcript's 3' end. VCF-style (leftmost placement, unchanged base first): chr11-2884890-T-TGGGGCCGGGGCC. GRCh37 (hg19) VCF-style: chr11-2906120-T-TGGGGCCGGGGCC.
Other names: c.588GGCCCC[4], p.Pro216_Asp217insAlaProAlaPro (NM_000076.2, NM_001362474.2); c.555GGCCCC[4], p.Pro205_Asp206insAlaProAlaPro (NM_001122631.2); c.255+300GGCCCC[4] (NM_001362475.2).
Identifiers: ClinVar variation 1992261 (VCV001992261.4), dbSNP rs1060503855, ClinGen allele CA597432650.